The following is an entry in ClinVar:

ClinVar aggregate classification (germline): Uncertain significance (1 of 4 stars; one submission).

Allele frequency attached by ClinVar (database versions not stated): gnomAD exomes below 0.00001.
gnomAD v4.1: 1 of 1,550,038 alleles (0.000065%); highest among the groups gnomAD compares: South Asian, 0.0012%; no homozygotes.

Submission:

Labcorp Genetics (formerly Invitae), Labcorp
Classification: Uncertain significance. Last evaluated: 2022-08-10. Review status: criteria provided, single submitter. Criteria: Invitae Variant Classification Sherloc (09022015). Collection method: clinical testing. Allele origin: germline.
Comment: In summary, the available evidence is currently insufficient to determine the role of this variant in disease. Therefore, it has been classified as a Variant of Uncertain Significance. Algorithms developed to predict the effect of missense changes on protein structure and function output the following: SIFT: "Tolerated"; PolyPhen-2: "Benign"; Align-GVGD: "Class C0". The serine amino acid residue is found in multiple mammalian species, which suggests that this missense change does not adversely affect protein function. ClinVar contains an entry for this variant (Variation ID: 1390164). This variant has not been reported in the literature in individuals affected with ZNF469-related conditions. This variant is not present in population databases (gnomAD no frequency). This sequence change replaces proline, which is neutral and non-polar, with serine, which is neutral and polar, at codon 2937 of the ZNF469 protein (p.Pro2937Ser).

NM_001367624.2(ZNF469):c.8893C>T (p.Pro2965Ser)

Gene: ZNF469 (zinc finger protein 469; plus strand). Cytogenetic location: 16q24.2.
Variant type: single nucleotide variant.
Coding change: c.8893C>T on transcript NM_001367624.2 (MANE Select); coding-DNA position 8893, C replaced by T.
Protein change: p.Pro2965Ser; replaces proline 2965 with serine.
Molecular consequence: missense variant.
Genome position (GRCh38, 1-based): chr16:88,436,363, C>T. VCF-style: chr16-88436363-C-T. GRCh37 (hg19) VCF-style: chr16-88502771-C-T.
Other names: short protein forms P2965S.
Identifiers: ClinVar variation 1390164 (VCV001390164.6), dbSNP rs2142313159, ClinGen allele CA397119652.
Genomic context (GRCh38, chr16:88,436,363, plus strand): 5'-AATAGCAGGGTGCCTGGCATTGACCCCTGGGCCCCCGGCCTCAGCCTGTGGGCCCTGGAG[C>T]CCAGCAGGGAAGCTGGTGCAGAGAAGCTGCCCTCCCACTGCCCCGAGGACGATCGGCCGG-3'
Protein context (NP_001354553.1, residues 2955-2975): APGLSLWALE[Pro2965Ser]SREAGAEKLP